The following is an entry in ClinVar:

NC_000001.10:g.(?_11875883)_(11907741_?)dup

Genes: CLCN6 (chloride voltage-gated channel 6; plus strand), NPPA (natriuretic peptide A; minus strand). Cytogenetic location: 1p36.22.
Variant type: Duplication.
Identifiers: ClinVar variation 2424112 (VCV002424112.4).

ClinVar aggregate classification (germline): Uncertain significance (1 of 4 stars; one submission).

Submission:

Labcorp Genetics (formerly Invitae), Labcorp
Classification: Uncertain significance. Last evaluated: 2022-09-13. Review status: criteria provided, single submitter. Criteria: Invitae Variant Classification Sherloc (09022015). Collection method: clinical testing. Allele origin: germline.
Comment: In summary, the available evidence is currently insufficient to determine the role of this variant in disease. Therefore, it has been classified as a Variant of Uncertain Significance. Experimental studies and prediction algorithms are not available or were not evaluated, and the functional significance of this variant is currently unknown. This variant has not been reported in the literature in individuals affected with CLCN6-related conditions. This variant results in a copy number gain of the genomic region encompassing exon(s) 3-23 of the CLCN6 gene. This region includes the termination codon of the gene. This copy number gain extends beyond the assayed region for this gene and therefore may encompass additional genes. As the precise location of this event is unknown, it may be in tandem or it may be located elsewhere in the genome.